The following is an entry in ClinVar:

ClinVar aggregate classification (germline): Uncertain significance (1 of 4 stars; one submission).

Conditions:
Autosomal dominant nonsyndromic hearing loss 20. Identifiers: Orphanet 90635, MedGen C1858172, MONDO:0011480, OMIM 604717.
Baraitser-winter syndrome 2. Identifiers: Orphanet 2995, MedGen C3281235, MONDO:0013812, OMIM 614583.

gnomAD v4.1: 13 of 1,614,098 alleles (0.00081%); highest among the groups gnomAD compares: East Asian, 0.013%; no homozygotes.

Submission:

Labcorp Genetics (formerly Invitae), Labcorp
Classification: Uncertain significance for Baraitser-winter syndrome 2; Autosomal dominant nonsyndromic hearing loss 20. Last evaluated: 2025-11-05. Review status: criteria provided, single submitter. Criteria: Invitae Variant Classification Sherloc (09022015). Collection method: clinical testing. Allele origin: germline.
Comment: This sequence change falls in intron 3 of the ACTG1 gene. It does not directly change the encoded amino acid sequence of the ACTG1 protein. It affects a nucleotide within the consensus splice site. This variant is present in population databases (rs782227962, gnomAD 0.03%). This variant has not been reported in the literature in individuals affected with ACTG1-related conditions. Variants that disrupt the consensus splice site are a relatively common cause of aberrant splicing (PMID: 17576681, 9536098). Algorithms developed to predict the effect of sequence changes on RNA splicing suggest that this variant is not likely to affect RNA splicing. In summary, the available evidence is currently insufficient to determine the role of this variant in disease. Therefore, it has been classified as a Variant of Uncertain Significance.

Literature cited by the submitters: PubMed 17576681; PubMed 9536098.

NM_001614.5(ACTG1):c.363+6G>A

Gene: ACTG1 (actin gamma 1; minus strand). Cytogenetic location: 17q25.3.
Variant type: single nucleotide variant.
Coding change: c.363+6G>A on transcript NM_001614.5 (MANE Select); 6 bases into the intron after coding-DNA position 363, G replaced by A.
Molecular consequence: intron variant.
Genome position (GRCh38, 1-based): chr17:81,511,897, C>T on the plus strand (G>A on the coding strand, the complement: ACTG1 is on the minus strand). VCF-style: chr17-81511897-C-T. GRCh37 (hg19) VCF-style: chr17-79478923-C-T.
Other names: c.363+6G>A (NM_001199954.3).
Identifiers: ClinVar variation 4789155 (VCV004789155.1).